The following is an entry in ClinVar:

ClinVar aggregate classification (germline): Uncertain significance (1 of 4 stars; one submission).

Conditions:
Charcot-Marie-Tooth disease axonal type 2P. Also called: CHARCOT-MARIE-TOOTH NEUROPATHY, TYPE 2P; CHARCOT-MARIE-TOOTH DISEASE, AXONAL, TYPE 2G; CMT 2G; Charcot-Marie-Tooth Neuropathy Type 2G. Identifiers: Orphanet 300319, Orphanet 99941, MedGen C3280797, MONDO:0013753, OMIM 614436.

Allele frequency attached by ClinVar (database versions not stated): gnomAD exomes below 0.00001.
gnomAD v4.1: 3 of 1,614,016 alleles (0.00019%); highest among the groups gnomAD compares: African/African-American, 0.004%; no homozygotes.

Submission:

Labcorp Genetics (formerly Invitae), Labcorp
Classification: Uncertain significance for Charcot-Marie-Tooth disease axonal type 2P. Last evaluated: 2022-07-20. Review status: criteria provided, single submitter. Criteria: Invitae Variant Classification Sherloc (09022015). Collection method: clinical testing. Allele origin: germline.
Comment: In summary, the available evidence is currently insufficient to determine the role of this variant in disease. Therefore, it has been classified as a Variant of Uncertain Significance. Algorithms developed to predict the effect of missense changes on protein structure and function (SIFT, PolyPhen-2, Align-GVGD) all suggest that this variant is likely to be disruptive. This missense change has been observed in individual(s) with LRSAM1-related conditions (Invitae). The frequency data for this variant in the population databases is considered unreliable, as metrics indicate poor data quality at this position in the gnomAD database. This sequence change replaces serine, which is neutral and polar, with phenylalanine, which is neutral and non-polar, at codon 662 of the LRSAM1 protein (p.Ser662Phe).

NM_001005373.4(LRSAM1):c.1985C>T (p.Ser662Phe)

Gene: LRSAM1 (leucine rich repeat and sterile alpha motif containing 1; plus strand). Cytogenetic location: 9q34.11.
Variant type: single nucleotide variant.
Coding change: c.1985C>T on transcript NM_001005373.4 (MANE Select); coding-DNA position 1985, C replaced by T.
Protein change: p.Ser662Phe; replaces serine 662 with phenylalanine.
Molecular consequence: missense variant. On other transcripts: non-coding transcript variant (2).
Genome position (GRCh38, 1-based): chr9:127,501,082, C>T. VCF-style: chr9-127501082-C-T. GRCh37 (hg19) VCF-style: chr9-130263361-C-T.
Other names: c.1985C>T, p.Ser662Phe (NM_001005374.4, NM_001384142.1, NM_138361.5); c.1904C>T, p.Ser635Phe (NM_001190723.3); c.1886C>T, p.Ser629Phe (NM_001384143.1); c.1196C>T, p.Ser399Phe (NM_001384144.1); short protein forms S662F, S399F, S629F, S635F.
Identifiers: ClinVar variation 1987133 (VCV001987133.4), dbSNP rs917788952, ClinGen allele CA199852961.
Genomic context (GRCh38, chr9:127,501,082, plus strand): 5'-CAATGGGTGAGGTCGTCACCCCTACGGCCCCCCAGGAGCCTCCTGAGTCTGTGAGGCCAT[C>T]CGCTCCCCCTGCAGAGCTGGAGGTGCAGGCCTCAGAGTGTGTCGTGTGCCTGGAACGGGA-3'
Protein context (NP_001005373.1, residues 652-672): PQEPPESVRP[Ser662Phe]APPAELEVQA